The following is an entry in ClinVar:

ClinVar aggregate classification (germline): Uncertain significance (1 of 4 stars; one submission).

Conditions:
Neuronopathy, distal hereditary motor, autosomal recessive 4. Also called: NEUROPATHY, DISTAL HEREDITARY MOTOR, AUTOSOMAL RECESSIVE 4; Autosomal recessive lower motor neuron disease with childhood onset. Identifiers: Orphanet 206580, MedGen C1970211, MONDO:0012608, OMIM 611067.
Charcot-Marie-Tooth disease recessive intermediate C. Also called: CHARCOT-MARIE-TOOTH NEUROPATHY, RECESSIVE INTERMEDIATE C. Identifiers: Orphanet 369867, MedGen C3809309, MONDO:0014154, OMIM 615376.

Allele frequency attached by ClinVar (database versions not stated): gnomAD exomes below 0.00001.
gnomAD v4.1: 1 of 1,613,936 alleles (0.000062%); highest among the groups gnomAD compares: Admixed American, 0.0017%; no homozygotes.

Submission:

Labcorp Genetics (formerly Invitae), Labcorp
Classification: Uncertain significance for Neuronopathy, distal hereditary motor, autosomal recessive 4; Charcot-Marie-Tooth disease recessive intermediate C. Last evaluated: 2021-08-28. Review status: criteria provided, single submitter. Criteria: Invitae Variant Classification Sherloc (09022015). Collection method: clinical testing. Allele origin: germline.
Comment: This sequence change replaces glutamine with leucine at codon 687 of the PLEKHG5 protein (p.Gln687Leu). The glutamine residue is highly conserved and there is a moderate physicochemical difference between glutamine and leucine. This variant is not present in population databases (ExAC no frequency). This variant has not been reported in the literature in individuals affected with PLEKHG5-related conditions. Algorithms developed to predict the effect of missense changes on protein structure and function are either unavailable or do not agree on the potential impact of this missense change (SIFT: "Deleterious"; PolyPhen-2: "Benign"; Align-GVGD: "Class C0"). In summary, the available evidence is currently insufficient to determine the role of this variant in disease. Therefore, it has been classified as a Variant of Uncertain Significance.

NM_020631.6(PLEKHG5):c.2060A>T (p.Gln687Leu)

Gene: PLEKHG5 (pleckstrin homology and RhoGEF domain containing G5; minus strand). Cytogenetic location: 1p36.31.
Variant type: single nucleotide variant.
Coding change: c.2060A>T on transcript NM_020631.6 (MANE Select); coding-DNA position 2060, A replaced by T.
Protein change: p.Gln687Leu; replaces glutamine 687 with leucine.
Molecular consequence: missense variant.
Genome position (GRCh38, 1-based): chr1:6,469,231, T>A on the plus strand (A>T on the coding strand, the complement: PLEKHG5 is on the minus strand). VCF-style: chr1-6469231-T-A. GRCh37 (hg19) VCF-style: chr1-6529291-T-A.
Other names: c.2171A>T, p.Gln724Leu (NM_001042663.3, NM_001265592.2); c.2060A>T, p.Gln687Leu (NM_001042664.2, NM_001042665.2, NM_001265594.3 and 1 more transcripts); c.2267A>T, p.Gln756Leu (NM_001265593.2); short protein forms Q687L, Q724L, Q756L.
Identifiers: ClinVar variation 1052562 (VCV001052562.6), dbSNP rs1046289350, ClinGen allele CA17235069.
Genomic context (GRCh38, chr1:6,469,231, plus strand): 5'-TCCTCTTCCAGGCTCTGCAGGGGCTGCTGACTGCCTGGGGGCTCCTGTGCACGCAGCTGT[T>A]GCAGCTGGTTCTGCAGGCAAGGTTGGGGTACATGGGACAGAATGGGTTGTGACCAGCATC-3'
Protein context (NP_065682.2, residues 677-697): DTIYNAQNQL[Gln687Leu]QLRAQEPPGS